The following is an entry in ClinVar:

NM_182961.4(SYNE1):c.4615C>T (p.His1539Tyr)

Gene: SYNE1 (spectrin repeat containing nuclear envelope protein 1; minus strand). Cytogenetic location: 6q25.2.
Variant type: single nucleotide variant.
Coding change: c.4615C>T on transcript NM_182961.4 (MANE Select); coding-DNA position 4615, C replaced by T.
Protein change: p.His1539Tyr; replaces histidine 1539 with tyrosine.
Molecular consequence: missense variant.
Genome position (GRCh38, 1-based): chr6:152,430,556, G>A on the plus strand (C>T on the coding strand, the complement: SYNE1 is on the minus strand). VCF-style: chr6-152430556-G-A. GRCh37 (hg19) VCF-style: chr6-152751691-G-A.
Other names: c.4636C>T, p.His1546Tyr (NM_033071.5); short protein forms H1539Y, H1546Y.
Identifiers: ClinVar variation 4788237 (VCV004788237.1).

ClinVar aggregate classification (germline): Uncertain significance (1 of 4 stars; one submission).

Conditions:
Autosomal recessive ataxia, Beauce type. Also called: SYNE1-Related Autosomal Recessive Cerebellar Ataxia; Spinocerebellar ataxia, autosomal recessive 8; ATAXIA, RECESSIVE, OF BEAUCE; SYNE1 Deficiency. Identifiers: Orphanet 88644, MedGen C1853116, MONDO:0012549, OMIM 610743.
Emery-Dreifuss muscular dystrophy 4, autosomal dominant (EDMD4). Also called: EMERY-DREIFUSS MUSCULAR DYSTROPHY 4 WITH VARIABLE FEATURES. Identifiers: Orphanet 261, MedGen C2751807, MONDO:0013071, OMIM 612998.

gnomAD v4.1: 3 of 1,614,124 alleles (0.00019%); highest among the groups gnomAD compares: Non-Finnish European, 0.00025%; no homozygotes.

Submission:

Labcorp Genetics (formerly Invitae), Labcorp
Classification: Uncertain significance for Emery-Dreifuss muscular dystrophy 4, autosomal dominant; Autosomal recessive ataxia, Beauce type. Last evaluated: 2025-06-10. Review status: criteria provided, single submitter. Criteria: Invitae Variant Classification Sherloc (09022015). Collection method: clinical testing. Allele origin: germline.
Comment: This sequence change replaces histidine, which is basic and polar, with tyrosine, which is neutral and polar, at codon 1546 of the SYNE1 protein (p.His1546Tyr). This variant is present in population databases (rs747404069, gnomAD 0.002%). This variant has not been reported in the literature in individuals affected with SYNE1-related conditions. An algorithm developed to predict the effect of missense changes on protein structure and function (PolyPhen-2) suggests that this variant is likely to be disruptive. In summary, the available evidence is currently insufficient to determine the role of this variant in disease. Therefore, it has been classified as a Variant of Uncertain Significance.